The following is an entry in ClinVar:

ClinVar aggregate classification (germline): Benign/Likely benign. Review status: criteria provided, multiple submitters, no conflicts (2 of 4 stars). 2 submissions from 2 submitters: Benign (1); Likely benign (1). Last evaluated 2026-09-01.

Allele frequency attached by ClinVar (database versions not stated): 1000 Genomes Project 30x 0.00031.

Submissions (2):

CeGaT Center for Human Genetics Tuebingen
Classification: Likely benign. Last evaluated: 2026-09-01. Review status: criteria provided, single submitter. Criteria: CeGaT Center For Human Genetics Tuebingen Variant Classification Criteria Version 2. Collection method: clinical testing. Allele origin: germline. Affected: yes. Observed: 3 variant alleles.
Comment: CDH1: BS1

Quest Diagnostics Nichols Institute San Juan Capistrano
Classification: Benign. Last evaluated: 2020-10-16. Review status: criteria provided, single submitter. Criteria: Quest Diagnostics criteria. Collection method: clinical testing. Allele origin: unknown.

Literature cited by the submitters: PubMed 29295527 (cited by Quest Diagnostics Nichols Institute San Juan Capistrano).

NM_004360.4(CDH1):c.-276T>C

Gene: CDH1 (cadherin 1; plus strand). Cytogenetic location: 16q22.1.
Variant type: single nucleotide variant.
Coding change: c.-276T>C on transcript NM_004360.4; 276 bases upstream of the start codon, T replaced by C.
Genome position (GRCh38, 1-based): chr16:68,737,140, T>C. VCF-style: chr16-68737140-T-C. GRCh37 (hg19) VCF-style: chr16-68771043-T-C.
Identifiers: ClinVar variation 1330012 (VCV001330012.5), dbSNP rs34149581, ClinGen allele CA283272998.